The following is an entry in ClinVar:

NM_004560.4(ROR2):c.731G>C (p.Arg244Pro)

Gene: ROR2 (receptor tyrosine kinase like orphan receptor 2; minus strand). Cytogenetic location: 9q22.31.
Variant type: single nucleotide variant.
Coding change: c.731G>C on transcript NM_004560.4 (MANE Select); coding-DNA position 731, G replaced by C.
Protein change: p.Arg244Pro; replaces arginine 244 with proline.
Molecular consequence: missense variant.
Genome position (GRCh38, 1-based): chr9:91,733,328, C>G on the plus strand (G>C on the coding strand, the complement: ROR2 is on the minus strand). VCF-style: chr9-91733328-C-G. GRCh37 (hg19) VCF-style: chr9-94495610-C-G.
Other names: c.731G>C, p.Arg244Pro (NM_001318204.2); c.731G>C (NM_004560.3); short protein forms R244P.
Identifiers: ClinVar variation 2895586 (VCV002895586.4), dbSNP rs55737262, ClinGen allele CA5120908.

ClinVar aggregate classification (germline): Uncertain significance. Review status: criteria provided, multiple submitters, no conflicts (2 of 4 stars). 2 submissions from 2 submitters: Uncertain significance (2). Last evaluated 2025-12-25.

Conditions:
Inborn genetic diseases. Identifiers: MedGen C0950123, MeSH D030342.

Allele frequency attached by ClinVar (database versions not stated): ESP Exome Variant Server 0.00023.
gnomAD v4.1: 43 of 1,612,154 alleles (0.0027%); highest among the groups gnomAD compares: Admixed American, 0.0067%; no homozygotes.

Submissions (2):

Labcorp Genetics (formerly Invitae), Labcorp
Classification: Uncertain significance. Last evaluated: 2025-12-25. Review status: criteria provided, single submitter. Criteria: Invitae Variant Classification Sherloc (09022015). Collection method: clinical testing. Allele origin: germline.
Comment: This sequence change replaces arginine, which is basic and polar, with proline, which is neutral and non-polar, at codon 244 of the ROR2 protein (p.Arg244Pro). This variant is present in population databases (rs55737262, gnomAD 0.003%). This variant has not been reported in the literature in individuals affected with ROR2-related conditions. ClinVar contains an entry for this variant (Variation ID: 2895586). Invitae Evidence Modeling of protein sequence and biophysical properties (such as structural, functional, and spatial information, amino acid conservation, physicochemical variation, residue mobility, and thermodynamic stability) indicates that this missense variant is not expected to disrupt ROR2 protein function with a negative predictive value of 80%. In summary, the available evidence is currently insufficient to determine the role of this variant in disease. Therefore, it has been classified as a Variant of Uncertain Significance.

Ambry Genetics
Classification: Uncertain significance for Inborn genetic diseases. Last evaluated: 2024-11-10. Review status: criteria provided, single submitter. Criteria: Ambry Variant Classification Scheme 2023. Collection method: clinical testing. Allele origin: germline.